The following is an entry in ClinVar:

ClinVar aggregate classification (germline): Uncertain significance (1 of 4 stars; one submission).

Conditions:
Inborn genetic diseases. Identifiers: MedGen C0950123, MeSH D030342.

gnomAD v4.1: 1 of 1,593,252 alleles (0.000063%); highest among the groups gnomAD compares: South Asian, 0.0011%; no homozygotes.

Submission:

Ambry Genetics
Classification: Uncertain significance for Inborn genetic diseases. Last evaluated: 2025-10-05. Review status: criteria provided, single submitter. Criteria: Ambry Variant Classification Scheme 2023. Collection method: clinical testing. Allele origin: germline.
Comment: The p.H415R variant (also known as c.1244A>G), located in coding exon 7 of the FANCM gene, results from an A to G substitution at nucleotide position 1244. The histidine at codon 415 is replaced by arginine, an amino acid with highly similar properties. This amino acid position is conserved. In addition, this alteration is predicted to be tolerated by in silico analysis. Based on the available evidence, the clinical significance of this variant remains unclear.

NM_020937.4(FANCM):c.1244A>G (p.His415Arg)

Gene: FANCM (FA complementation group M; plus strand). Cytogenetic location: 14q21.2.
Variant type: single nucleotide variant.
Coding change: c.1244A>G on transcript NM_020937.4 (MANE Select); coding-DNA position 1244, A replaced by G.
Protein change: p.His415Arg; replaces histidine 415 with arginine.
Molecular consequence: missense variant.
Genome position (GRCh38, 1-based): chr14:45,154,757, A>G. VCF-style: chr14-45154757-A-G. GRCh37 (hg19) VCF-style: chr14-45623960-A-G.
Other names: c.1166A>G, p.His389Arg (NM_001308133.2); c.1244A>G, p.His415Arg (NM_001308134.2); short protein forms H389R, H415R.
Identifiers: ClinVar variation 4619470 (VCV004619470.1).